The following is an entry in ClinVar:

NM_001369.3(DNAH5):c.12223A>G (p.Met4075Val)

Gene: DNAH5 (dynein axonemal heavy chain 5; minus strand). Cytogenetic location: 5p15.2.
Variant type: single nucleotide variant.
Coding change: c.12223A>G on transcript NM_001369.3 (MANE Select); coding-DNA position 12223, A replaced by G.
Protein change: p.Met4075Val; replaces methionine 4075 with valine.
Molecular consequence: missense variant.
Genome position (GRCh38, 1-based): chr5:13,721,056, T>C on the plus strand (A>G on the coding strand, the complement: DNAH5 is on the minus strand). VCF-style: chr5-13721056-T-C. GRCh37 (hg19) VCF-style: chr5-13721165-T-C.
Other names: short protein forms M4075V.
Identifiers: ClinVar variation 1753330 (VCV001753330.8), dbSNP rs1423192314, ClinGen allele CA359213464.

ClinVar aggregate classification (germline): Conflicting classifications of pathogenicity. Review status: criteria provided, conflicting classifications (1 of 4 stars). 3 submissions from 3 submitters: Uncertain significance (2); Likely benign (1). Last evaluated 2024-01-25.

Conditions:
DNAH5-related disorder. Also called: DNAH5-related condition.
Primary ciliary dyskinesia. Also called: Ciliary dyskinesia. Identifiers: Orphanet 244, MedGen C0008780, MONDO:0016575, HP:0012265.

Allele frequency attached by ClinVar (database versions not stated): gnomAD 0.00001; gnomAD exomes 0.00001.
gnomAD v4.1: 10 of 1,614,020 alleles (0.00062%); highest among the groups gnomAD compares: Admixed American, 0.005%; no homozygotes.

Submissions (3):

Labcorp Genetics (formerly Invitae), Labcorp
Classification: Likely benign for Primary ciliary dyskinesia. Last evaluated: 2024-01-25. Review status: criteria provided, single submitter. Criteria: Invitae Variant Classification Sherloc (09022015). Collection method: clinical testing. Allele origin: germline.

PreventionGenetics, part of Exact Sciences
Classification: Uncertain significance for DNAH5-related condition. Last evaluated: 2023-08-08. Review status: criteria provided, single submitter. Criteria: ACMG Guidelines, 2015. Collection method: clinical testing. Allele origin: germline.
Comment: The DNAH5 c.12223A>G variant is predicted to result in the amino acid substitution p.Met4075Val. To our knowledge, this variant has not been reported in the literature. This variant is reported in 0.0087% of alleles in individuals of Latino descent in gnomAD. At this time, the clinical significance of this variant is uncertain due to the absence of conclusive functional and genetic evidence.

Ambry Genetics
Classification: Uncertain significance for Primary ciliary dyskinesia. Last evaluated: 2018-04-13. Review status: criteria provided, single submitter. Criteria: Ambry Variant Classification Scheme 2023. Collection method: clinical testing. Allele origin: germline.
Comment: The p.M4075V variant (also known as c.12223A>G), located in coding exon 71 of the DNAH5 gene, results from an A to G substitution at nucleotide position 12223. The methionine at codon 4075 is replaced by valine, an amino acid with highly similar properties. This amino acid position is highly conserved in available vertebrate species. In addition, this alteration is predicted to be tolerated by in silico analysis. Since supporting evidence is limited at this time, the clinical significance of this alteration remains unclear.